The following is an entry in ClinVar:

NM_020208.4(SLC6A20):c.1446C>T (p.Tyr482=)

Gene: SLC6A20 (solute carrier family 6 member 20; minus strand). Cytogenetic location: 3p21.31.
Variant type: single nucleotide variant.
Coding change: c.1446C>T on transcript NM_020208.4 (MANE Select); coding-DNA position 1446, C replaced by T.
Protein change: p.Tyr482=; no amino-acid change (tyrosine 482 retained).
Molecular consequence: synonymous variant. On other transcripts: non-coding transcript variant (2).
Genome position (GRCh38, 1-based): chr3:45,762,930, G>A on the plus strand (C>T on the coding strand, the complement: SLC6A20 is on the minus strand). VCF-style: chr3-45762930-G-A. GRCh37 (hg19) VCF-style: chr3-45804422-G-A.
Other names: c.1479C>T, p.Tyr493= (NM_001385683.1); c.1446C>T, p.Tyr482= (NM_001406066.1); c.1305C>T, p.Tyr435= (NM_001406067.1); c.1335C>T, p.Tyr445= (NM_001406069.1, NM_022405.4).
Identifiers: ClinVar variation 3057363 (VCV003057363.2), dbSNP rs774703310, ClinGen allele CA2351317.

ClinVar aggregate classification (germline): Likely benign (0 of 4 stars; one submission).

Conditions:
SLC6A20-related disorder. Also called: SLC6A20-related condition.

Allele frequency attached by ClinVar (database versions not stated): ExAC 0.00027; gnomAD 0.00029; TOPMed 0.00038.
gnomAD v4.1: 493 of 1,614,158 alleles (0.031%); highest among the groups gnomAD compares: Admixed American, 0.14%; 1 homozygote.

Submission:

PreventionGenetics, part of Exact Sciences
Classification: Likely benign for SLC6A20-related condition. Last evaluated: 2019-02-25. Review status: no assertion criteria provided. Collection method: clinical testing. Allele origin: germline.
Comment: This variant is classified as likely benign based on ACMG/AMP sequence variant interpretation guidelines (Richards et al. 2015 PMID: 25741868, with internal and published modifications).